The following is an entry in ClinVar:

NM_017635.5(KMT5B):c.913del (p.Cys305fs)

Gene: KMT5B (lysine methyltransferase 5B; minus strand). Cytogenetic location: 11q13.2.
Variant type: Deletion.
Coding change: c.913del on transcript NM_017635.5 (MANE Select); coding-DNA position 913, one base deleted (T; older notation c.913delT).
Protein change: p.Cys305fs; shifts the reading frame from cysteine 305.
Molecular consequence: frameshift variant. On other transcripts: non-coding transcript variant (3).
Genome position (GRCh38, 1-based): chr11:68,171,079, A deleted on the plus strand (T on the coding strand, the reverse complement: KMT5B is on the minus strand); the first of 2 consecutive A bases (chr11:68,171,079-68,171,080); deleting either gives the same sequence. VCF-style (leftmost placement, unchanged base first): chr11-68171078-CA-C. GRCh37 (hg19) VCF-style: chr11-67938545-CA-C.
Other names: c.397del, p.Cys133fs (NM_001300907.1, NM_001369424.1, NM_001369428.1 and 5 more transcripts); c.193del, p.Cys65fs (NM_001300908.2); c.844del, p.Cys282fs (NM_001300909.2); c.913del, p.Cys305fs (NM_001363566.2, NM_001369426.1, NM_001369427.1 and 1 more transcripts); c.700del, p.Cys234fs (NM_001369425.1); c.913delT (NM_017635.5); short protein forms C133fs, C234fs, C282fs, C305fs, C65fs.
Identifiers: ClinVar variation 3764547 (VCV003764547.1).

ClinVar aggregate classification (germline): Pathogenic (1 of 4 stars; one submission).

Conditions:
Intellectual developmental disorder, autosomal dominant 51. Also called: MENTAL RETARDATION, AUTOSOMAL DOMINANT 51; Intellectual disability, autosomal dominant 51. Identifiers: Orphanet 684226, MedGen C4540474, MONDO:0030917, OMIM 617788.

Submission:

Daryl Scott Lab, Baylor College of Medicine
Classification: Pathogenic for Intellectual developmental disorder, autosomal dominant 51. Last evaluated: 2024-01-01. Review status: criteria provided, single submitter. Criteria: ACMG Guidelines, 2015. Collection method: clinical testing. Allele origin: de novo. Affected: yes. Observed: 1 heterozygote.
Comment: PVS1, PS2, PM2